The following is an entry in ClinVar:

ClinVar aggregate classification (germline): Pathogenic. Review status: criteria provided, multiple submitters, no conflicts (2 of 4 stars). 19 submissions from 19 submitters: Pathogenic (15). 4 of the submissions do not count toward it. Last evaluated 2025-12-17.

Conditions:
Inherited polyposis and early onset colorectal cancer - germline testing.
APC-related disorder. Also called: APC-related condition.
Hereditary cancer-predisposing syndrome. Also called: Tumor predisposition; Hereditary neoplastic syndrome; Neoplastic Syndromes, Hereditary; Hereditary Cancer Syndrome. Identifiers: Orphanet 140162, MedGen C0027672, MeSH D009386, MONDO:0015356.
Familial multiple polyposis syndrome (FAP). Also called: Familial polyposis; Classic familial adenomatous polyposis; Familial adenomatous polyposis; Familial intestinal polyposis; Familial Adenomatous Polyposis (FAP). Identifiers: Orphanet 733, MedGen C0032580, MONDO:0021055. Disease mechanism: loss of function.
Familial adenomatous polyposis 1 (FAP1). Also called: FAMILIAL ADENOMATOUS POLYPOSIS 1, ATTENUATED; POLYPOSIS, ADENOMATOUS INTESTINAL. Identifiers: MedGen C2713442, MONDO:0021056, OMIM 175100. Disease mechanism: loss of function.

Allele frequency attached by ClinVar (database versions not stated): gnomAD exomes below 0.00001; gnomAD 0.00001.

Submissions 1 to 11 of 19:

Labcorp Genetics (formerly Invitae), Labcorp
Classification: Pathogenic for Familial adenomatous polyposis 1. Last evaluated: 2025-12-17. Review status: criteria provided, single submitter. Criteria: Invitae Variant Classification Sherloc (09022015). Collection method: clinical testing. Allele origin: germline.
Comment: This sequence change creates a premature translational stop signal (p.Arg405*) in the APC gene. RNA analysis indicates that this premature translational stop signal induces altered splicing and may result in an absent or altered protein product. This variant is not present in population databases (gnomAD no frequency). This premature translational stop signal has been observed in individual(s) with familial adenomatous polyposis (PMID: 1338764, 20223039, 20685668). ClinVar contains an entry for this variant (Variation ID: 127275). Studies have shown that this premature translational stop signal results in skipping of exon 10, and produces a non-functional protein and/or introduces a premature termination codon (internal data). For these reasons, this variant has been classified as Pathogenic.

Mayo Clinic Laboratories, Mayo Clinic
Classification: Pathogenic. Last evaluated: 2025-10-17. Review status: criteria provided, single submitter. Criteria: ACMG Guidelines, 2015. Collection method: clinical testing. Allele origin: germline. Observed: 1 variant allele.
Comment: PM2_supporting, PS4_moderate, PVS1

Ambry Genetics
Classification: Pathogenic for Hereditary cancer-predisposing syndrome. Last evaluated: 2024-12-19. Review status: criteria provided, single submitter. Criteria: Ambry Variant Classification Scheme 2023. Collection method: clinical testing. Allele origin: germline.
Comment: The p.R405* pathogenic mutation (also known as c.1213C>T), located in coding exon 9 of the APC gene, results from a C to T substitution at nucleotide position 1213. This changes the amino acid from an arginine to a stop codon within coding exon 9. This mutation has been reported in multiple individuals diagnosed with typical or attenuated familial adenomatous polyposis (FAP) (Nagase H et al. Hum Mutat, 1992;1:467-73; Friedl W et al. Hered Cancer Clin Pract, 2005 Sep;3:95-114; Yurgelun MB et al. J Clin Oncol, 2017 Apr;35:1086-1095; Pang M et al. Mol Med Rep, 2018 Aug;18:1423-1432). This variant is considered to be rare based on population cohorts in the Genome Aggregation Database (gnomAD). In addition to the clinical data presented in the literature, this alteration is expected to result in loss of function by premature protein truncation or nonsense-mediated mRNA decay. As such, this alteration is interpreted as a disease-causing mutation.

Genomics and Molecular Medicine Service, East Genomic Laboratory Hub, NHS Genomic Medicine Service
Classification: Pathogenic for Inherited polyposis and early onset colorectal cancer - germline testing. Last evaluated: 2024-09-13. Review status: criteria provided, single submitter. Criteria: ACGS Best Practice Guidelines for Variant Classification in Rare Disease 2020. Collection method: clinical testing. Allele origin: germline. Affected: yes.
Comment: PVS1,PS4_Moderate,PM2_Supporting

CeGaT Center for Human Genetics Tuebingen
Classification: Pathogenic. Last evaluated: 2024-01-01. Review status: criteria provided, single submitter. Criteria: CeGaT Center For Human Genetics Tuebingen Variant Classification Criteria Version 2. Collection method: clinical testing. Allele origin: germline. Affected: yes. Observed: 1 variant allele.
Comment: APC: PVS1, PM2, PS4:Moderate

Baylor Genetics
Classification: Pathogenic for Familial adenomatous polyposis 1. Last evaluated: 2023-11-10. Review status: criteria provided, single submitter. Criteria: ACMG Guidelines, 2015. Collection method: clinical testing. Allele origin: unknown.

Women's Health and Genetics/Laboratory Corporation of America, LabCorp
Classification: Pathogenic for Familial multiple polyposis syndrome. Last evaluated: 2023-11-09. Review status: criteria provided, single submitter. Criteria: LabCorp Variant Classification Summary - May 2015. Collection method: clinical testing. Allele origin: germline.
Comment: Variant summary: APC c.1213C>T (p.Arg405X) results in a premature termination codon, predicted to cause a truncation of the encoded protein or absence of the protein due to nonsense mediated decay, which are commonly known mechanisms for disease. The variant was absent in 250352 control chromosomes. c.1213C>T has been reported in the literature in individuals affected with Familial Adenomatous Polyposis (e.g. Lee_2022). To our knowledge, no experimental evidence demonstrating an impact on protein function has been reported. The following publication has been ascertained in the context of this evaluation (PMID: 35189564). Eight submitters have cited clinical-significance assessments for this variant to ClinVar after 2014. All submitters classified the variant as pathogenic. Based on the evidence outlined above, the variant was classified as pathogenic.

Color Diagnostics, LLC DBA Color Health
Classification: Pathogenic for Hereditary cancer-predisposing syndrome. Last evaluated: 2023-08-07. Review status: criteria provided, single submitter. Criteria: ACMG Guidelines, 2015. Collection method: clinical testing. Allele origin: germline.
Comment: This variant changes 1 nucleotide in exon 10 of the APC gene, creating a premature translation stop signal. This variant is expected to result in an absent or non-functional protein product. This variant has been reported in individuals affected with familial adenomatous polyposis and attenuated familial adenomatous polyposis (PMID: 1338764, 15952110, 15986289, 20223039, 20685668, 28135145, 29901124). This variant has not been identified in the general population by the Genome Aggregation Database (gnomAD). Loss of APC function is a known mechanism of disease. Based on the available evidence, this variant is classified as Pathogenic.

Myriad Genetics, Inc.
Classification: Pathogenic for Familial adenomatous polyposis 1. Last evaluated: 2023-04-28. Review status: criteria provided, single submitter. Criteria: Myriad Autosomal Dominant, Autosomal Recessive and X-Linked Classification Criteria (2023). Collection method: clinical testing. Allele origin: unknown.
Comment: This variant is considered pathogenic. This variant creates a termination codon and is predicted to result in premature protein truncation.

New York Genome Center
Classification: Pathogenic for Familial adenomatous polyposis 1. Last evaluated: 2023-04-11. Review status: criteria provided, single submitter. Criteria: NYGC Assertion Criteria 2020. Collection method: clinical testing. Allele origin: germline. Observed: 1 heterozygote.
Comment: The c.1213C>T variant in APC has previously been reported in multiple individuals with typical or attenuated familial adenomatous polyposis [PMID: 1338764,20223039, 28135145, 35189564, 30257133, 29901124, 15986289, 26681312, 33087929], and it has been deposited in ClinVar [ClinVar ID: 127275] as Pathogenic by multiple submitters. The c.1213C>T variant is observed in 1 allele (0.00018% minor allele frequency with 0 homozygotes) in population databases (gnomAD v2.1.1 andv3.1.2, TOPMed Freeze 8) suggesting it is not a common benign variant in the populations represented in those databases. The c.1213C>T variant is located in exon 10 of this 16-exon gene, predicted to incorporate a premature termination codon (p.(Arg405Ter)), and is expected to result in loss-of-function via nonsense-mediated decay. Multiple loss-of-function variants that are downstream to the c.1213C>T variant have been reported in the literature and public variant repositories in individuals with familial adenomatous polyposis. Based on available evidence this heterozygous c.1213C>T p.(Arg405Ter) variant identified in APC is classified as Pathogenic.

GeneDx
Classification: Pathogenic. Last evaluated: 2023-03-06. Review status: criteria provided, single submitter. Criteria: GeneDx Variant Classification Process June 2021. Collection method: clinical testing. Allele origin: germline. Affected: yes.
Comment: Nonsense variant predicted to result in protein truncation or nonsense mediated decay in a gene for which loss-of-function is a known mechanism of disease; Not observed at significant frequency in large population cohorts (gnomAD); This variant is associated with the following publications: (PMID: 25525159, 20223039, 30257133, 29901124, 1338764, 20685668, 15986289, 26681312, 33087929, 35189564)

NM_000038.6(APC):c.1213C>T (p.Arg405Ter)

Gene: APC (APC regulator of Wnt signaling pathway; plus strand). Cytogenetic location: 5q22.2.
Variant type: single nucleotide variant.
Coding change: c.1213C>T on transcript NM_000038.6 (MANE Select); coding-DNA position 1213, C replaced by T.
Protein change: p.Arg405Ter; replaces arginine 405 with a stop codon.
Molecular consequence: nonsense. On other transcripts: intron variant (4).
Genome position (GRCh38, 1-based): chr5:112,819,245, C>T. VCF-style: chr5-112819245-C-T. GRCh37 (hg19) VCF-style: chr5-112154942-C-T.
Other names: p.R405*:CGA>TGA; c.1213C>T, p.Arg405Ter (NM_001127510.3, NM_001354895.2, NM_001354896.2); c.1159C>T, p.Arg387Ter (NM_001127511.3); c.1243C>T, p.Arg415Ter (NM_001354897.2); c.1138C>T, p.Arg380Ter (NM_001354898.2); c.1129C>T, p.Arg377Ter (NM_001354899.2); c.1036C>T, p.Arg346Ter (NM_001354900.2, NM_001354901.2); c.364C>T, p.Arg122Ter (NM_001354906.2); and 4 more; short protein forms R405*, R387*, R346*, R377*, R380*, R415*, R122*.
Identifiers: ClinVar variation 127275 (VCV000127275.66), dbSNP rs587779780, ClinGen allele CA004094.